The following is an entry in ClinVar:

ClinVar aggregate classification (germline): Uncertain significance. Review status: criteria provided, multiple submitters, no conflicts (2 of 4 stars). 2 submissions from 2 submitters: Uncertain significance (2). Last evaluated 2022-10-27.

Conditions:
Hereditary cancer-predisposing syndrome. Also called: Hereditary neoplastic syndrome; Hereditary Cancer Syndrome; Tumor predisposition; Neoplastic Syndromes, Hereditary. Identifiers: Orphanet 140162, MedGen C0027672, MeSH D009386, MONDO:0015356.

Allele frequency attached by ClinVar (database versions not stated): TOPMed below 0.00001.
gnomAD v4.1: 2 of 1,614,160 alleles (0.00012%); highest among the groups gnomAD compares: African/African-American, 0.0027%; no homozygotes.

Submissions (2):

Ambry Genetics
Classification: Uncertain significance for Hereditary cancer-predisposing syndrome. Last evaluated: 2022-10-27. Review status: criteria provided, single submitter. Criteria: Ambry Variant Classification Scheme 2023. Collection method: clinical testing. Allele origin: germline.
Comment: The p.V1402L variant (also known as c.4204G>T), located in coding exon 33 of the POLE gene, results from a G to T substitution at nucleotide position 4204. The valine at codon 1402 is replaced by leucine, an amino acid with highly similar properties. This amino acid position is conserved. In addition, this alteration is predicted to be tolerated by in silico analysis. Since supporting evidence is limited at this time, the clinical significance of this alteration remains unclear.

Labcorp Genetics (formerly Invitae), Labcorp
Classification: Uncertain significance. Last evaluated: 2022-05-04. Review status: criteria provided, single submitter. Criteria: Invitae Variant Classification Sherloc (09022015). Collection method: clinical testing. Allele origin: germline.
Comment: This variant is not present in population databases (gnomAD no frequency). This sequence change replaces valine, which is neutral and non-polar, with leucine, which is neutral and non-polar, at codon 1402 of the POLE protein (p.Val1402Leu). This variant has not been reported in the literature in individuals affected with POLE-related conditions. Algorithms developed to predict the effect of missense changes on protein structure and function (SIFT, PolyPhen-2, Align-GVGD) all suggest that this variant is likely to be tolerated. In summary, the available evidence is currently insufficient to determine the role of this variant in disease. Therefore, it has been classified as a Variant of Uncertain Significance.

NM_006231.4(POLE):c.4204G>T (p.Val1402Leu)

Gene: POLE (DNA polymerase epsilon, catalytic subunit; minus strand). Cytogenetic location: 12q24.33.
Variant type: single nucleotide variant.
Coding change: c.4204G>T on transcript NM_006231.4 (MANE Select); coding-DNA position 4204, G replaced by T.
Protein change: p.Val1402Leu; replaces valine 1402 with leucine.
Molecular consequence: missense variant.
Genome position (GRCh38, 1-based): chr12:132,643,923, C>A on the plus strand (G>T on the coding strand, the complement: POLE is on the minus strand). VCF-style: chr12-132643923-C-A. GRCh37 (hg19) VCF-style: chr12-133220509-C-A.
Other names: short protein forms V1402L.
Identifiers: ClinVar variation 1521886 (VCV001521886.10), dbSNP rs767191767, ClinGen allele CA387382271.
Genomic context (GRCh38, chr12:132,643,923, plus strand): 5'-CTGGCGCTGACAGCTCAGCGTTGATCTCGTTGATGTGTTCCTGGTACATGTCCTCTGGCA[C>A]TGAATACTCATAGAGATTGTAGACCATGTTGGAGCGAGGAAGGACCCGATTTACCTGGCG-3'
Protein context (NP_006222.2, residues 1392-1412): NMVYNLYEYS[Val1402Leu]PEDMYQEHIN